The following is an entry in ClinVar:

NM_016013.4(NDUFAF1):c.790C>T (p.Arg264Ter)

Gene: NDUFAF1 (NADH:ubiquinone oxidoreductase complex assembly factor 1; minus strand). Cytogenetic location: 15q15.1.
Variant type: single nucleotide variant.
Coding change: c.790C>T on transcript NM_016013.4 (MANE Select); coding-DNA position 790, C replaced by T.
Protein change: p.Arg264Ter; replaces arginine 264 with a stop codon.
Molecular consequence: nonsense. On other transcripts: non-coding transcript variant (1).
Genome position (GRCh38, 1-based): chr15:41,388,492, G>A on the plus strand (C>T on the coding strand, the complement: NDUFAF1 is on the minus strand). VCF-style: chr15-41388492-G-A. GRCh37 (hg19) VCF-style: chr15-41680690-G-A.
Other names: short protein forms R264*.
Identifiers: ClinVar variation 2721586 (VCV002721586.4), dbSNP rs765203135, ClinGen allele CA7491240.

ClinVar aggregate classification (germline): Uncertain significance (1 of 4 stars; one submission).

Allele frequency attached by ClinVar (database versions not stated): ExAC 0.00002.
gnomAD v4.1: 11 of 1,612,474 alleles (0.00068%); highest among the groups gnomAD compares: South Asian, 0.0033%; no homozygotes.

Submissions (2):

Labcorp Genetics (formerly Invitae), Labcorp
Classification: Uncertain significance. Last evaluated: 2022-11-25. Review status: criteria provided, single submitter. Criteria: Invitae Variant Classification Sherloc (09022015). Collection method: clinical testing. Allele origin: germline.
Comment: This sequence change creates a premature translational stop signal (p.Arg264*) in the NDUFAF1 gene. While this is not anticipated to result in nonsense mediated decay, it is expected to disrupt the last 64 amino acid(s) of the NDUFAF1 protein. In summary, the available evidence is currently insufficient to determine the role of this variant in disease. Therefore, it has been classified as a Variant of Uncertain Significance. This variant has not been reported in the literature in individuals affected with NDUFAF1-related conditions. This variant is present in population databases (rs765203135, gnomAD 0.01%).

Dr. Peter K. Rogan Lab, Western University
No classification provided (evidence only). Condition: Uterine corpus endometrial carcinoma. Review status: no classification provided. Collection method: in vitro. Allele origin: not applicable. Functional consequence: retained intron. Not counted in ClinVar's aggregate classification.